The following is an entry in ClinVar:

NM_003482.4(KMT2D):c.15555C>T (p.Phe5185=)

Gene: KMT2D (lysine methyltransferase 2D; minus strand). Cytogenetic location: 12q13.12.
Variant type: single nucleotide variant.
Coding change: c.15555C>T on transcript NM_003482.4 (MANE Select); coding-DNA position 15555, C replaced by T.
Protein change: p.Phe5185=; no amino-acid change (phenylalanine 5185 retained).
Molecular consequence: synonymous variant.
Genome position (GRCh38, 1-based): chr12:49,026,411, G>A on the plus strand (C>T on the coding strand, the complement: KMT2D is on the minus strand). VCF-style: chr12-49026411-G-A. GRCh37 (hg19) VCF-style: chr12-49420194-G-A.
Identifiers: ClinVar variation 706924 (VCV000706924.38), dbSNP rs575965702, ClinGen allele CA6545543.

ClinVar aggregate classification (germline): Benign/Likely benign. Review status: criteria provided, multiple submitters, no conflicts (2 of 4 stars). 6 submissions from 6 submitters: Benign (3); Likely benign (2). 1 of the submissions does not count toward it. Last evaluated 2026-01-06.

Conditions:
KMT2D-related disorder. Also called: KMT2D-Related Disorders.
Kabuki syndrome. Also called: Kabuki make-up syndrome; NIIKAWA-KUROKI SYNDROME. Identifiers: Orphanet 2322, MedGen C0796004, MONDO:0016512.

Allele frequency attached by ClinVar (database versions not stated): gnomAD below 0.00001 and 0.00012; TOPMed 0.00001; 1000 Genomes Project 30x 0.00078; 1000 Genomes Project 0.00100.
gnomAD v4.1: 702 of 1,613,932 alleles (0.043%); highest among the groups gnomAD compares: South Asian, 0.75%; 10 homozygotes.

Submissions (6):

Labcorp Genetics (formerly Invitae), Labcorp
Classification: Benign for Kabuki syndrome. Last evaluated: 2026-01-06. Review status: criteria provided, single submitter. Criteria: Invitae Variant Classification Sherloc (09022015). Collection method: clinical testing. Allele origin: germline.

Blueprint Genetics
Classification: Likely benign. Last evaluated: 2024-11-07. Review status: criteria provided, single submitter. Criteria: ACMG Guidelines, 2015. Collection method: clinical testing. Allele origin: germline.

CeGaT Center for Human Genetics Tuebingen
Classification: Likely benign. Last evaluated: 2023-07-01. Review status: criteria provided, single submitter. Criteria: CeGaT Center For Human Genetics Tuebingen Variant Classification Criteria Version 2. Collection method: clinical testing. Allele origin: germline. Affected: yes. Observed: 1 variant allele.
Comment: KMT2D: BP4, BP7, BS2

Athena Diagnostics
Classification: Benign. Last evaluated: 2021-02-19. Review status: criteria provided, single submitter. Criteria: Athena Diagnostics criteria. Collection method: clinical testing. Allele origin: unknown.

GeneDx
Classification: Benign. Last evaluated: 2019-12-12. Review status: criteria provided, single submitter. Criteria: GeneDx Variant Classification Process June 2021. Collection method: clinical testing. Allele origin: germline. Affected: yes.

PreventionGenetics, part of Exact Sciences
Classification: Benign for KMT2D-related condition. Last evaluated: 2019-12-05. Review status: no assertion criteria provided. Collection method: clinical testing. Allele origin: germline. Not counted in ClinVar's aggregate classification.
Comment: This variant is classified as benign based on ACMG/AMP sequence variant interpretation guidelines (Richards et al. 2015 PMID: 25741868, with internal and published modifications).